The following is an entry in ClinVar:

NM_001283009.2(RTEL1):c.2266-3C>T

Genes: RTEL1-TNFRSF6B (RTEL1-TNFRSF6B readthrough (NMD candidate); plus strand), RTEL1 (regulator of telomere elongation helicase 1; plus strand). Cytogenetic location: 20q13.33.
Variant type: single nucleotide variant.
Coding change: c.2266-3C>T on transcript NM_001283009.2 (MANE Select); 3 bases into the intron before coding-DNA position 2266, C replaced by T.
Molecular consequence: intron variant.
Genome position (GRCh38, 1-based): chr20:63,690,291, C>T. VCF-style: chr20-63690291-C-T. GRCh37 (hg19) VCF-style: chr20-62321644-C-T.
Other names: c.1597-3C>T (NM_001283010.1); c.2338-3C>T (NM_032957.5); c.2266-3C>T (NM_016434.4).
Identifiers: ClinVar variation 1365421 (VCV001365421.6), dbSNP rs200536844, ClinGen allele CA9965263.
Genomic context (GRCh38, chr20:63,690,291, plus strand): 5'-GGGATGAGGGTGTTGTCCCCAGAGGAGCCAGAAATGGGTCCACCCACCCCCATGGTTCTG[C>T]AGATGCCAGCGCCGGCCCCCCGGGCTACAGCACCCAGTGTGCGTGGAGAAGATGCTGTCA-3'

ClinVar aggregate classification (germline): Uncertain significance (1 of 4 stars; one submission).

Conditions:
Pulmonary fibrosis and/or bone marrow failure, Telomere-related, 3. Also called: PULMONARY FIBROSIS AND/OR BONE MARROW FAILURE SYNDROME, TELOMERE-RELATED, 3. Identifiers: Orphanet 2032, MedGen C4225346, MONDO:0014613, OMIM 616373.
Dyskeratosis congenita, autosomal recessive 5 (DKCB5). Identifiers: MedGen C3554656, MONDO:0014076, OMIM 615190.

Allele frequency attached by ClinVar (database versions not stated): gnomAD exomes below 0.00001; ExAC 0.00001; gnomAD 0.00001; 1000 Genomes Project 30x 0.00016; 1000 Genomes Project 0.00020.

Submission:

Labcorp Genetics (formerly Invitae), Labcorp
Classification: Uncertain significance for Dyskeratosis congenita, autosomal recessive 5; Pulmonary fibrosis and/or bone marrow failure, Telomere-related, 3. Last evaluated: 2022-02-09. Review status: criteria provided, single submitter. Criteria: Invitae Variant Classification Sherloc (09022015). Collection method: clinical testing. Allele origin: germline.
Comment: The frequency data for this variant in the population databases is considered unreliable, as metrics indicate poor data quality at this position in the gnomAD database. This variant has not been reported in the literature in individuals affected with RTEL1-related conditions. Variants that disrupt the consensus splice site are a relatively common cause of aberrant splicing (PMID: 17576681, 9536098). Algorithms developed to predict the effect of sequence changes on RNA splicing suggest that this variant may disrupt the consensus splice site. In summary, the available evidence is currently insufficient to determine the role of this variant in disease. Therefore, it has been classified as a Variant of Uncertain Significance. This sequence change falls in intron 25 of the RTEL1 gene. It does not directly change the encoded amino acid sequence of the RTEL1 protein. It affects a nucleotide within the consensus splice site.

Literature cited by the submitters: PubMed 17576681; PubMed 9536098.